The following is an entry in ClinVar:

NM_207122.2(EXT2):c.749G>A (p.Arg250Gln)

Gene: EXT2 (exostosin glycosyltransferase 2; plus strand). Cytogenetic location: 11p11.2.
Variant type: single nucleotide variant.
Coding change: c.749G>A on transcript NM_207122.2 (MANE Select); coding-DNA position 749, G replaced by A.
Protein change: p.Arg250Gln; replaces arginine 250 with glutamine.
Molecular consequence: missense variant.
Genome position (GRCh38, 1-based): chr11:44,124,794, G>A. VCF-style: chr11-44124794-G-A. GRCh37 (hg19) VCF-style: chr11-44146344-G-A.
Other names: c.848G>A, p.Arg283Gln (NM_000401.3); c.749G>A, p.Arg250Gln (NM_001178083.3, NM_001389628.1, NM_001389630.1); short protein forms R250Q, R283Q.
Identifiers: ClinVar variation 877126 (VCV000877126.9), dbSNP rs770821909, ClinGen allele CA5955002.

ClinVar aggregate classification (germline): Uncertain significance. Review status: criteria provided, multiple submitters, no conflicts (2 of 4 stars). 4 submissions from 4 submitters: Uncertain significance (4). Last evaluated 2025-12-26.

Conditions:
EXT2-related disorder. Also called: EXT2-related condition.
Exostoses, multiple, type 2 (EXT2). Also called: EXOSTOSES, MULTIPLE, TYPE II; Hereditary Multiple Osteochondromatosis, Type II. Identifiers: Orphanet 321, MedGen C1851413, MONDO:0007586, OMIM 133701.

Allele frequency attached by ClinVar (database versions not stated): ExAC 0.00001; gnomAD exomes 0.00001 and 0.00002; TOPMed 0.00004; gnomAD 0.00005.
gnomAD v4.1: 22 of 1,613,732 alleles (0.0014%); highest among the groups gnomAD compares: African/African-American, 0.013%; no homozygotes.

Submissions (4):

PreventionGenetics, part of Exact Sciences
Classification: Uncertain significance for EXT2-related condition. Last evaluated: 2025-12-26. Review status: criteria provided, single submitter. Criteria: ACMG Guidelines, 2015. Collection method: clinical testing. Allele origin: germline.
Comment: The EXT2 c.749G>A variant is predicted to result in the amino acid substitution p.Arg250Gln. To our knowledge, this variant has not been reported in the literature. This variant is reported in 0.0085% of alleles in individuals of Latino descent in gnomAD and is classified as uncertain in ClinVar (Variation ID: 877126). At this time, the clinical significance of this variant is uncertain due to the absence of conclusive functional and genetic evidence.

Labcorp Genetics (formerly Invitae), Labcorp
Classification: Uncertain significance for Exostoses, multiple, type 2. Last evaluated: 2025-10-04. Review status: criteria provided, single submitter. Criteria: Invitae Variant Classification Sherloc (09022015). Collection method: clinical testing. Allele origin: germline.
Comment: This sequence change replaces arginine, which is basic and polar, with glutamine, which is neutral and polar, at codon 250 of the EXT2 protein (p.Arg250Gln). This variant is present in population databases (rs770821909, gnomAD 0.009%). This variant has not been reported in the literature in individuals affected with EXT2-related conditions. ClinVar contains an entry for this variant (Variation ID: 877126). Invitae Evidence Modeling of protein sequence and biophysical properties (such as structural, functional, and spatial information, amino acid conservation, physicochemical variation, residue mobility, and thermodynamic stability) indicates that this missense variant is not expected to disrupt EXT2 protein function with a negative predictive value of 95%. In summary, the available evidence is currently insufficient to determine the role of this variant in disease. Therefore, it has been classified as a Variant of Uncertain Significance.

Baylor Genetics
Classification: Uncertain significance for Exostoses, multiple, type 2. Last evaluated: 2020-06-25. Review status: criteria provided, single submitter. Criteria: ACMG Guidelines, 2015. Collection method: clinical testing. Allele origin: maternal. Affected: yes. Study: CSER-TexasKidsCanSeq.
Comment: This variant was determined to be of uncertain significance according to ACMG Guidelines, 2015 [PMID:25741868].

Illumina Laboratory Services, Illumina
Classification: Uncertain significance for Exostoses, multiple, type 2. Last evaluated: 2018-01-13. Review status: criteria provided, single submitter. Criteria: ICSL Variant Classification Criteria 13 December 2019. Collection method: clinical testing. Allele origin: germline.